The following is an entry in ClinVar:

ClinVar aggregate classification (germline): Uncertain significance (1 of 4 stars; one submission).

gnomAD v4.1: 3 of 1,211,619 alleles (0.00025%); highest among the groups gnomAD compares: Non-Finnish European, 0.00034%; no homozygotes.

Submission:

Labcorp Genetics (formerly Invitae), Labcorp
Classification: Uncertain significance. Last evaluated: 2025-08-03. Review status: criteria provided, single submitter. Criteria: Invitae Variant Classification Sherloc (09022015). Collection method: clinical testing. Allele origin: germline.
Comment: This sequence change replaces alanine, which is neutral and non-polar, with threonine, which is neutral and polar, at codon 765 of the OPHN1 protein (p.Ala765Thr). This variant is not present in population databases (gnomAD no frequency). This variant has not been reported in the literature in individuals affected with OPHN1-related conditions. An algorithm developed to predict the effect of missense changes on protein structure and function outputs the following: PolyPhen-2: "Benign". The threonine amino acid residue is found in multiple mammalian species, which suggests that this missense change does not adversely affect protein function. In summary, the available evidence is currently insufficient to determine the role of this variant in disease. Therefore, it has been classified as a Variant of Uncertain Significance.

NM_002547.3(OPHN1):c.2293G>A (p.Ala765Thr)

Gene: OPHN1 (oligophrenin 1; minus strand). Cytogenetic location: Xq12.
Variant type: single nucleotide variant.
Coding change: c.2293G>A on transcript NM_002547.3 (MANE Select); coding-DNA position 2293, G replaced by A.
Protein change: p.Ala765Thr; replaces alanine 765 with threonine.
Molecular consequence: missense variant.
Genome position (GRCh38, 1-based): chrX:68,053,676, C>T on the plus strand (G>A on the coding strand, the complement: OPHN1 is on the minus strand). VCF-style: chrX-68053676-C-T. GRCh37 (hg19) VCF-style: chrX-67273518-C-T.
Other names: c.1969G>A, p.Ala657Thr (NM_001437258.1); short protein forms A657T, A765T.
Identifiers: ClinVar variation 4759801 (VCV004759801.1).
Genomic context (GRCh38, chrX:68,053,676, plus strand): 5'-AGTCAACTTTGAGGTACAACCCTACTTACACAGATGATGTGATTTCCCCCGCATTGCCAG[C>T]CACAATATCTGGCTTTGGTTCTGGCTTTTGGGGAGTAGCTGCCCGGCAGGGAGGATCTGG-3'
Protein context (NP_002538.1, residues 755-775): QKPEPKPDIV[Ala765Thr]GNAGEITSSV